The following is an entry in ClinVar:

NM_199420.4(POLQ):c.2711T>C (p.Leu904Ser)

Gene: POLQ (DNA polymerase theta; minus strand). Cytogenetic location: 3q13.33.
Variant type: single nucleotide variant.
Coding change: c.2711T>C on transcript NM_199420.4 (MANE Select); coding-DNA position 2711, T replaced by C.
Protein change: p.Leu904Ser; replaces leucine 904 with serine.
Molecular consequence: missense variant.
Genome position (GRCh38, 1-based): chr3:121,490,220, A>G on the plus strand (T>C on the coding strand, the complement: POLQ is on the minus strand). VCF-style: chr3-121490220-A-G. GRCh37 (hg19) VCF-style: chr3-121209067-A-G.
Other names: short protein forms L904S.
Identifiers: ClinVar variation 1795081 (VCV001795081.2), dbSNP rs2546788348, ClinGen allele CA354105031.

ClinVar aggregate classification (germline): Uncertain significance (1 of 4 stars; one submission).

Allele frequency attached by ClinVar (database versions not stated): gnomAD exomes 0.00001.
gnomAD v4.1: 6 of 1,614,166 alleles (0.00037%); highest among the groups gnomAD compares: Non-Finnish European, 0.00051%; no homozygotes.

Submission:

Ambry Genetics
Classification: Uncertain significance. Last evaluated: 2022-03-11. Review status: criteria provided, single submitter. Criteria: Ambry Variant Classification Scheme 2023. Collection method: clinical testing. Allele origin: germline.
Comment: The p.L904S variant (also known as c.2711T>C), located in coding exon 16 of the POLQ gene, results from a T to C substitution at nucleotide position 2711. The leucine at codon 904 is replaced by serine, an amino acid with dissimilar properties. This amino acid position is conserved. In addition, this alteration is predicted to be tolerated by in silico analysis. Since supporting evidence is limited at this time, the clinical significance of this alteration remains unclear.